The following is an entry in ClinVar:

ClinVar aggregate classification (germline): Uncertain significance (1 of 4 stars; one submission).

Allele frequency attached by ClinVar (database versions not stated): gnomAD exomes below 0.00001.
gnomAD v4.1: 1 of 1,548,078 alleles (0.000065%); no homozygotes.

Submission:

GeneDx
Classification: Uncertain significance. Last evaluated: 2022-08-09. Review status: criteria provided, single submitter. Criteria: GeneDx Variant Classification Process June 2021. Collection method: clinical testing. Allele origin: germline. Affected: yes.
Comment: Not observed at significant frequency in large population cohorts (gnomAD); In silico analysis supports that this missense variant does not alter protein structure/function; Has not been previously published as pathogenic or benign to our knowledge

NM_198253.3(TERT):c.937C>A (p.Pro313Thr)

Gene: TERT (telomerase reverse transcriptase; minus strand). Cytogenetic location: 5p15.33.
Variant type: single nucleotide variant.
Coding change: c.937C>A on transcript NM_198253.3 (MANE Select); coding-DNA position 937, C replaced by A.
Protein change: p.Pro313Thr; replaces proline 313 with threonine.
Molecular consequence: missense variant. On other transcripts: non-coding transcript variant (2).
Genome position (GRCh38, 1-based): chr5:1,293,949, G>T on the plus strand (C>A on the coding strand, the complement: TERT is on the minus strand). VCF-style: chr5-1293949-G-T. GRCh37 (hg19) VCF-style: chr5-1294064-G-T.
Other names: c.937C>A, p.Pro313Thr (NM_001193376.3, NM_003219.1); short protein forms P313T.
Identifiers: ClinVar variation 2429639 (VCV002429639.1), dbSNP rs2126686771, ClinGen allele CA359056123.
Genomic context (GRCh38, chr5:1,293,949, plus strand): 5'-AGAGGAAGTGCTTGGTCTCGGCGTACACCGGGGGACAAGGCGTGTCCCAGGGACGTGGTG[G>T]CCGCGATGTGGATGGGGGGCCCGCGTGGTGCTGGCGGCCCACGGATGGGTGGGAGTGGCG-3'
Protein context (NP_937983.2, residues 303-323): HHAGPPSTSR[Pro313Thr]PRPWDTPCPP